The following is an entry in ClinVar:

ClinVar aggregate classification (germline): Uncertain significance (1 of 4 stars; one submission).

gnomAD v4.1: 1 of 1,612,796 alleles (0.000062%); highest among the groups gnomAD compares: Non-Finnish European, 0.000085%; no homozygotes.

Submission:

Labcorp Genetics (formerly Invitae), Labcorp
Classification: Uncertain significance. Last evaluated: 2024-07-19. Review status: criteria provided, single submitter. Criteria: Invitae Variant Classification Sherloc (09022015). Collection method: clinical testing. Allele origin: germline.
Comment: This sequence change replaces glycine, which is neutral and non-polar, with glutamic acid, which is acidic and polar, at codon 1126 of the COL11A2 protein (p.Gly1126Glu). This variant is not present in population databases (gnomAD no frequency). This variant has not been reported in the literature in individuals affected with COL11A2-related conditions. Advanced modeling of protein sequence and biophysical properties (such as structural, functional, and spatial information, amino acid conservation, physicochemical variation, residue mobility, and thermodynamic stability) performed at Invitae indicates that this missense variant is expected to disrupt COL11A2 protein function with a positive predictive value of 95%. In summary, the available evidence is currently insufficient to determine the role of this variant in disease. Therefore, it has been classified as a Variant of Uncertain Significance.

NM_080680.3(COL11A2):c.3377G>A (p.Gly1126Glu)

Gene: COL11A2 (collagen type XI alpha 2 chain; minus strand). Cytogenetic location: 6p21.32.
Variant type: single nucleotide variant.
Coding change: c.3377G>A on transcript NM_080680.3 (MANE Select); coding-DNA position 3377, G replaced by A.
Protein change: p.Gly1126Glu; replaces glycine 1126 with glutamic acid.
Molecular consequence: missense variant.
Genome position (GRCh38, 1-based): chr6:33,170,907, C>T on the plus strand (G>A on the coding strand, the complement: COL11A2 is on the minus strand). VCF-style: chr6-33170907-C-T. GRCh37 (hg19) VCF-style: chr6-33138684-C-T.
Other names: c.3197G>A, p.Gly1066Glu (NM_001424108.1); c.2531G>A, p.Gly844Glu (NM_001424109.1); c.2351G>A, p.Gly784Glu (NM_001424110.1, NM_001424111.1); c.1331G>A, p.Gly444Glu (NM_001424112.1); c.3056G>A, p.Gly1019Glu (NM_080679.3); c.3119G>A, p.Gly1040Glu (NM_080681.3); short protein forms G1019E, G1040E, G1066E, G1126E, G444E, G784E, G844E.
Identifiers: ClinVar variation 3620029 (VCV003620029.2).